The following is an entry in ClinVar:

ClinVar aggregate classification (germline): Uncertain significance (1 of 4 stars; one submission).

Conditions:
Hereditary cancer-predisposing syndrome. Also called: Neoplastic Syndromes, Hereditary; Tumor predisposition; Hereditary neoplastic syndrome; Hereditary Cancer Syndrome. Identifiers: Orphanet 140162, MedGen C0027672, MeSH D009386, MONDO:0015356.

Submission:

Ambry Genetics
Classification: Uncertain significance for Hereditary cancer-predisposing syndrome. Last evaluated: 2023-12-06. Review status: criteria provided, single submitter. Criteria: Ambry Variant Classification Scheme 2023. Collection method: clinical testing. Allele origin: germline.
Comment: The p.E1311G variant (also known as c.3932A>G), located in coding exon 9 of the MSH6 gene, results from an A to G substitution at nucleotide position 3932. The glutamic acid at codon 1311 is replaced by glycine, an amino acid with similar properties. This amino acid position is well conserved in available vertebrate species. In addition, the in silico prediction for this alteration is inconclusive. Since supporting evidence is limited at this time, the clinical significance of this alteration remains unclear.

NM_000179.3(MSH6):c.3932A>G (p.Glu1311Gly)

Gene: MSH6 (mutS homolog 6; plus strand). Cytogenetic location: 2p16.3.
Variant type: single nucleotide variant.
Coding change: c.3932A>G on transcript NM_000179.3 (MANE Select); coding-DNA position 3932, A replaced by G.
Protein change: p.Glu1311Gly; replaces glutamic acid 1311 with glycine.
Molecular consequence: missense variant. On other transcripts: non-coding transcript variant (5), intron variant (1).
Genome position (GRCh38, 1-based): chr2:47,806,582, A>G. VCF-style: chr2-47806582-A-G. GRCh37 (hg19) VCF-style: chr2-48033721-A-G.
Other names: c.3407A>G, p.Glu1136Gly (NM_001406799.1, NM_001406806.1, NM_001406807.1); c.3919A>G, p.Lys1307Glu (NM_001406800.1); c.3635A>G, p.Glu1212Gly (NM_001406801.1, NM_001406805.1, NM_001406818.1 and 10 more transcripts); c.3068A>G, p.Glu1023Gly (NM_001406803.1); c.3854A>G, p.Glu1285Gly (NM_001406804.1); c.3932A>G, p.Glu1311Gly (NM_001406808.1, NM_001406809.1, NM_001406796.1); c.3026A>G, p.Glu1009Gly (NM_001406811.1, NM_001406812.1, NM_001406814.1 and 6 more transcripts); c.3938A>G, p.Glu1313Gly (NM_001406813.1); and 9 more; short protein forms E1009G, E1023G, E1136G, E1181G, E1212G, E1253G, E1255G, E1285G.
Identifiers: ClinVar variation 3230571 (VCV003230571.1), dbSNP rs2104562340, ClinGen allele CA346761484.